The following is an entry in ClinVar:

NM_000380.4(XPA):c.60del (p.Pro21fs)

Gene: XPA (XPA, DNA damage recognition and repair factor; minus strand). Cytogenetic location: 9q22.33.
Variant type: Deletion.
Coding change: c.60del on transcript NM_000380.4 (MANE Select); coding-DNA position 60, one base deleted (G; older notation c.60delG).
Protein change: p.Pro21fs; shifts the reading frame from proline 21.
Molecular consequence: frameshift variant. On other transcripts: 5 prime UTR variant (1), non-coding transcript variant (5).
Genome position (GRCh38, 1-based): chr9:97,697,233, C deleted on the plus strand (G on the coding strand, the reverse complement: XPA is on the minus strand). VCF-style (leftmost placement, unchanged base first): chr9-97697232-GC-G. GRCh37 (hg19) VCF-style: chr9-100459514-GC-G.
Other names: c.-1090del (NM_001354975.2); short protein forms P21fs.
Identifiers: ClinVar variation 4772497 (VCV004772497.1).

ClinVar aggregate classification (germline): Pathogenic (1 of 4 stars; one submission).

Submission:

Labcorp Genetics (formerly Invitae), Labcorp
Classification: Pathogenic. Last evaluated: 2025-09-24. Review status: criteria provided, single submitter. Criteria: Invitae Variant Classification Sherloc (09022015). Collection method: clinical testing. Allele origin: germline.
Comment: This sequence change creates a premature translational stop signal (p.Pro21Leufs*16) in the XPA gene. It is expected to result in an absent or disrupted protein product. Loss-of-function variants in XPA are known to be pathogenic (PMID: 27607234). This variant is not present in population databases (gnomAD no frequency). This variant has not been reported in the literature in individuals affected with XPA-related conditions. For these reasons, this variant has been classified as Pathogenic.

Literature cited by the submitters: PubMed 27607234.